The following is an entry in ClinVar:

ClinVar aggregate classification (germline): Benign. Review status: criteria provided, multiple submitters, no conflicts (2 of 4 stars). 6 submissions from 6 submitters: Benign (6). Last evaluated 2026-02-04.

Conditions:
Leukocyte adhesion deficiency 1 (LAD1). Also called: LEUKOCYTE ADHESION DEFICIENCY, TYPE I; LAD 1; Lymphocyte function-associated antigen 1 immunodeficiency; LFA 1 immunodeficiency. Identifiers: Orphanet 2968, Orphanet 99842, MedGen C0398738, MONDO:0007293, OMIM 116920.

Allele frequency attached by ClinVar (database versions not stated): gnomAD exomes 0.01589 and 0.02133; ExAC 0.02343; gnomAD 0.03479 and 0.03552; ESP Exome Variant Server 0.03545; TOPMed 0.03800; 1000 Genomes Project 0.04712; 1000 Genomes Project 30x 0.04778.
gnomAD v4.1: 28,860 of 1,613,970 alleles (1.8%); highest among the groups gnomAD compares: African/African-American, 8.5%; 500 homozygotes.

Submissions (6):

Labcorp Genetics (formerly Invitae), Labcorp
Classification: Benign for Leukocyte adhesion deficiency 1. Last evaluated: 2026-02-04. Review status: criteria provided, single submitter. Criteria: Invitae Variant Classification Sherloc (09022015). Collection method: clinical testing. Allele origin: germline.

Women's Health and Genetics/Laboratory Corporation of America, LabCorp
Classification: Benign. Last evaluated: 2026-01-21. Review status: criteria provided, single submitter. Criteria: LabCorp Variant Classification Summary - May 2015. Collection method: clinical testing. Allele origin: germline.

GeneDx
Classification: Benign. Last evaluated: 2021-05-16. Review status: criteria provided, single submitter. Criteria: GeneDx Variant Classification Process June 2021. Collection method: clinical testing. Allele origin: germline. Affected: yes.

Mayo Clinic Laboratories, Mayo Clinic
Classification: Benign. Last evaluated: 2018-11-21. Review status: criteria provided, single submitter. Criteria: ACMG Guidelines, 2015. Collection method: clinical testing. Allele origin: germline. Observed: 40 variant alleles.

Illumina Laboratory Services, Illumina
Classification: Benign for Leukocyte adhesion deficiency 1. Last evaluated: 2018-01-12. Review status: criteria provided, single submitter. Criteria: ICSL Variant Classification Criteria 13 December 2019. Collection method: clinical testing. Allele origin: germline.
Comment: This variant was observed in the ICSL laboratory as part of a predisposition screen in an ostensibly healthy population. It had not been previously curated by ICSL or reported in the Human Gene Mutation Database (HGMD: prior to June 1st, 2018), and was therefore a candidate for classification through an automated scoring system. Utilizing variant allele frequency, disease prevalence and penetrance estimates, and inheritance mode, an automated score was calculated to assess if this variant is too frequent to cause the disease. Based on the score and internal cut-off values, a variant classified as benign is not then subjected to further curation. The score for this variant resulted in a classification of benign for this disease.

Breakthrough Genomics
Classification: Benign. Review status: criteria provided, single submitter. Criteria: ACMG Guidelines, 2015. Collection method: not provided. Allele origin: germline. Inheritance: Autosomal recessive inheritance. Affected: yes.

NM_000211.5(ITGB2):c.499+7C>T

Gene: ITGB2 (integrin subunit beta 2; minus strand). Cytogenetic location: 21q22.3.
Variant type: single nucleotide variant.
Coding change: c.499+7C>T on transcript NM_000211.5 (MANE Select); 7 bases into the intron after coding-DNA position 499, C replaced by T.
Molecular consequence: intron variant.
Genome position (GRCh38, 1-based): chr21:44,903,358, G>A on the plus strand (C>T on the coding strand, the complement: ITGB2 is on the minus strand). VCF-style: chr21-44903358-G-A. GRCh37 (hg19) VCF-style: chr21-46323273-G-A.
Other names: p.?; c.499+7C>T (LRG_76t1, NM_001127491.3); c.292+7C>T (NM_001303238.2).
Identifiers: ClinVar variation 340172 (VCV000340172.18), dbSNP rs17004715, ClinGen allele CA10063200.